The following is an entry in ClinVar:

ClinVar aggregate classification (germline): Conflicting classifications of pathogenicity. Review status: criteria provided, conflicting classifications (1 of 4 stars). 3 submissions from 3 submitters: Uncertain significance (2); Likely benign (1). Last evaluated 2025-12-05.

Conditions:
Inborn genetic diseases. Identifiers: MedGen C0950123, MeSH D030342.

Allele frequency attached by ClinVar (database versions not stated): ExAC 0.00002; gnomAD exomes 0.00001; TOPMed below 0.00001.

Submissions (3):

Labcorp Genetics (formerly Invitae), Labcorp
Classification: Likely benign. Last evaluated: 2025-12-05. Review status: criteria provided, single submitter. Criteria: Invitae Variant Classification Sherloc (09022015). Collection method: clinical testing. Allele origin: germline.

Dasa
Classification: Uncertain significance. Last evaluated: 2025-06-25. Review status: criteria provided, single submitter. Criteria: DASA Assertion Criteria. Collection method: clinical testing. Allele origin: germline.
Comment: NM_000836.4(GRIN2D):c.563T>C (p.Val188Ala) is a missense variant that results in the substitution of valine with alanine. This variant is rare in population databases. Computational prediction algorithms are consistent with a benign effect. The currently available literature and clinical evidence are not sufficient to establish a definitive association between this variant and the reported condition. Therefore, this variant is classified as a variant of uncertain significance.

Ambry Genetics
Classification: Uncertain significance for Inborn genetic diseases. Last evaluated: 2023-11-09. Review status: criteria provided, single submitter. Criteria: Ambry Variant Classification Scheme 2023. Collection method: clinical testing. Allele origin: germline.

NM_000836.4(GRIN2D):c.563T>C (p.Val188Ala)

Gene: GRIN2D (glutamate ionotropic receptor NMDA type subunit 2D; plus strand). Cytogenetic location: 19q13.33.
Variant type: single nucleotide variant.
Coding change: c.563T>C on transcript NM_000836.4 (MANE Select); coding-DNA position 563, T replaced by C.
Protein change: p.Val188Ala; replaces valine 188 with alanine.
Molecular consequence: missense variant.
Genome position (GRCh38, 1-based): chr19:48,404,831, T>C. VCF-style: chr19-48404831-T-C. GRCh37 (hg19) VCF-style: chr19-48908088-T-C.
Other names: c.563T>C (NM_000836.2); short protein forms V188A.
Identifiers: ClinVar variation 1908159 (VCV001908159.8), dbSNP rs780780422, ClinGen allele CA9550345.